The following is an entry in ClinVar:

Conditions:
Breast-ovarian cancer, familial, susceptibility to, 1 (BROVCA1). Also called: BRCA1 Hereditary Breast and Ovarian Cancer; OVARIAN CANCER, SUSCEPTIBILITY TO. Identifiers: Orphanet 145, MedGen C2676676, MONDO:0011450, OMIM 604370. Disease mechanism: loss of function.

Submission:

Brotman Baty Institute, University of Washington
No classification provided (evidence only). Condition: Breast-ovarian cancer, familial 1. Review status: no classification provided. Collection method: in vitro. Allele origin: not applicable. Functional consequence: functionally_normal.
ClinVar note: "not provided" was previously submitted as the classification for the variant. However, the classification appeared to be based only on an observation of functional data so it was converted to no classification on 2025-07-30.

NM_007294.4(BRCA1):c.5013A>C (p.Lys1671Asn)

Gene: BRCA1 (BRCA1 DNA repair associated; minus strand). Cytogenetic location: 17q21.31.
Variant type: single nucleotide variant.
Coding change: c.5013A>C on transcript NM_007294.4 (MANE Select); coding-DNA position 5013, A replaced by C.
Protein change: p.Lys1671Asn; replaces lysine 1671 with asparagine.
Molecular consequence: missense variant. On other transcripts: non-coding transcript variant (1).
Genome position (GRCh38, 1-based): chr17:43,067,669, T>G on the plus strand (A>C on the coding strand, the complement: BRCA1 is on the minus strand). VCF-style: chr17-43067669-T-G. GRCh37 (hg19) VCF-style: chr17-41219686-T-G.
Other names: c.5079A>C, p.Lys1693Asn (NM_001407581.1, NM_001407582.1); c.5076A>C, p.Lys1692Asn (NM_001407583.1, NM_001407585.1, NM_001407587.1 and 1 more transcripts); c.5073A>C, p.Lys1691Asn (NM_001407590.1, NM_001407591.1); c.5013A>C, p.Lys1671Asn (NM_001407593.1, NM_001407594.1, NM_001407596.1 and 8 more transcripts); c.5010A>C, p.Lys1670Asn (NM_001407614.1, NM_001407615.1, NM_001407616.1 and 17 more transcripts); c.5007A>C, p.Lys1669Asn (NM_001407633.1, NM_001407634.1, NM_001407635.1 and 14 more transcripts); c.4935A>C, p.Lys1645Asn (NM_001407655.1, NM_001407653.1, NM_001407654.1); c.4932A>C, p.Lys1644Asn (NM_001407656.1, NM_001407657.1, NM_001407658.1); and 70 more; short protein forms K1692N, K567N, K1671N, K1624N, K1544N, K1558N, K1560N, K1583N.
Identifiers: ClinVar variation 868527 (VCV000868527.3), dbSNP rs2052181061, ClinGen allele CA10591492.
Genomic context (GRCh38, chr17:43,067,669, plus strand): 5'-TGTTTTCATAACAACATGAGTAGTCTCTTCAGTAATTAGATTAGTTAAAGTGATGTGGTG[T>G]TTTCTGGCAAACTTGTACACGAGCATCTGAAATTAAATCAAATATTCCATTATCATGAGT-3'
Protein context (NP_009225.1, residues 1661-1681): EFMLVYKFAR[Lys1671Asn]HHITLTNLIT